The following is an entry in ClinVar:

ClinVar aggregate classification (germline): Uncertain significance. Review status: criteria provided, multiple submitters, no conflicts (2 of 4 stars). 4 submissions from 4 submitters: Uncertain significance (4). Last evaluated 2024-03-06.

Conditions:
ACVRL1-related disorder. Also called: ACVRL1-related condition; ACVRL1-related disorders.
Telangiectasia, hereditary hemorrhagic, type 2 (HHT2). Also called: Telangiectasia, hereditary hemorrhagic, type II; ACVRL1-Related Hereditary Hemorrhagic Telangiectasia. Identifiers: Orphanet 774, MedGen C1838163, MONDO:0010880, OMIM 600376. Disease mechanism: loss of function.
Cardiovascular phenotype. Identifiers: MedGen CN230736.

Submissions (4):

Labcorp Genetics (formerly Invitae), Labcorp
Classification: Uncertain significance for Telangiectasia, hereditary hemorrhagic, type 2. Last evaluated: 2024-03-06. Review status: criteria provided, single submitter. Criteria: Invitae Variant Classification Sherloc (09022015). Collection method: clinical testing. Allele origin: germline.
Comment: This sequence change replaces cysteine, which is neutral and slightly polar, with tyrosine, which is neutral and polar, at codon 345 of the ACVRL1 protein (p.Cys345Tyr). This variant is not present in population databases (gnomAD no frequency). This variant has not been reported in the literature in individuals affected with ACVRL1-related conditions. ClinVar contains an entry for this variant (Variation ID: 659095). Advanced modeling of protein sequence and biophysical properties (such as structural, functional, and spatial information, amino acid conservation, physicochemical variation, residue mobility, and thermodynamic stability) performed at Invitae indicates that this missense variant is expected to disrupt ACVRL1 protein function with a positive predictive value of 95%. In summary, the available evidence is currently insufficient to determine the role of this variant in disease. Therefore, it has been classified as a Variant of Uncertain Significance.

PreventionGenetics, part of Exact Sciences
Classification: Uncertain significance for ACVRL1-related condition. Last evaluated: 2023-01-27. Review status: criteria provided, single submitter. Criteria: ACMG Guidelines, 2015. Collection method: clinical testing. Allele origin: germline.
Comment: The ACVRL1 c.1034G>A variant is predicted to result in the amino acid substitution p.Cys345Tyr. To our knowledge, this variant has not been reported in the literature or in a large population database, indicating this variant is rare. At this time, the clinical significance of this variant is uncertain due to the absence of conclusive functional and genetic evidence.

GeneDx
Classification: Uncertain significance. Last evaluated: 2019-05-23. Review status: criteria provided, single submitter. Criteria: GeneDx Variant Classification Process June 2021. Collection method: clinical testing. Allele origin: germline. Affected: yes.
Comment: Has not been previously published as pathogenic or benign to our knowledge; Not observed in large population cohorts (Lek et al., 2016); In silico analysis, which includes protein predictors and evolutionary conservation, supports a deleterious effect

Ambry Genetics
Classification: Uncertain significance for Cardiovascular phenotype. Last evaluated: 2017-07-07. Review status: criteria provided, single submitter. Criteria: Ambry Variant Classification Scheme 2023. Collection method: clinical testing. Allele origin: germline.
Comment: The p.C345Y variant (also known as c.1034G>A), located in coding exon 6 of the ACVRL1 gene, results from a G to A substitution at nucleotide position 1034. The cysteine at codon 345 is replaced by tyrosine, an amino acid with highly dissimilar properties. This amino acid position is highly conserved in available vertebrate species. In addition, this alteration is predicted to be deleterious by in silico analysis. Since supporting evidence is limited at this time, the clinical significance of this alteration remains unclear.

NM_000020.3(ACVRL1):c.1034G>A (p.Cys345Tyr)

Gene: ACVRL1 (activin A receptor like type 1; plus strand). Cytogenetic location: 12q13.13.
Variant type: single nucleotide variant.
Coding change: c.1034G>A on transcript NM_000020.3 (MANE Select); coding-DNA position 1034, G replaced by A.
Protein change: p.Cys345Tyr; replaces cysteine 345 with tyrosine.
Molecular consequence: missense variant.
Genome position (GRCh38, 1-based): chr12:51,915,486, G>A. VCF-style: chr12-51915486-G-A. GRCh37 (hg19) VCF-style: chr12-52309270-G-A.
Other names: c.1034G>A, p.Cys345Tyr (NM_001077401.2); short protein forms C345Y.
Identifiers: ClinVar variation 659095 (VCV000659095.8), dbSNP rs1592224431, ClinGen allele CA384901750.
Genomic context (GRCh38, chr12:51,915,486, plus strand): 5'-CCATTGCCCACCGCGACTTCAAGAGCCGCAATGTGCTGGTCAAGAGCAACCTGCAGTGTT[G>A]CATCGCCGACCTGGGTGAGCCGGGCGGGGCAGGGGCGCGCCCTTCACAGGTGGGCGGAGC-3'
Protein context (NP_000011.2, residues 335-355): NVLVKSNLQC[Cys345Tyr]IADLGLAVMH